The following is an entry in ClinVar:

ClinVar aggregate classification (germline): Uncertain significance (1 of 4 stars; one submission).

Conditions:
6-Pyruvoyl-tetrahydrobiopterin synthase deficiency. Also called: 6-Pyruvoyltetrahydropterin Synthase Deficiency; HYPERPHENYLALANINEMIA, TETRAHYDROBIOPTERIN-DEFICIENT, DUE TO PTS DEFICIENCY; PTS-Related Tetrahydrobiopterin Deficiency; Hyperphenylalanemia, BH4-deficient, A; Hyperphenylalaninemia due to 6-pyruvoyl-tetrahydropterin synthase deficiency; BH4-deficient hyperphenylalaninemia A. Identifiers: Orphanet 13, Orphanet 238583, MedGen C0878676, MONDO:0009863, OMIM 261640.

Submission:

Juno Genomics, Hangzhou Juno Genomics, Inc
Classification: Uncertain significance for 6-Pyruvoyl-tetrahydrobiopterin synthase deficiency. Review status: criteria provided, single submitter. Criteria: ACMG Guidelines, 2015. Collection method: clinical testing. Allele origin: germline. Affected: yes.
Comment: Absent from controls (or at extremely low frequency if recessive) in Genome Aggregation Database, Exome Sequencing Project, 1000 Genomes Project, or Exome Aggregation Consortium.;Patient's phenotype or family history is highly specific for a disease with a single genetic etiology.;Multiple lines of computational evidence support a deleterious effect on the gene or gene product (conservation, evolutionary, splicing impact, etc).

NM_000317.3(PTS):c.293C>A (p.Pro98Gln)

Gene: PTS (6-pyruvoyltetrahydropterin synthase; plus strand). Cytogenetic location: 11q23.1.
Variant type: single nucleotide variant.
Coding change: c.293C>A on transcript NM_000317.3 (MANE Select); coding-DNA position 293, C replaced by A.
Protein change: p.Pro98Gln; replaces proline 98 with glutamine.
Molecular consequence: missense variant.
Genome position (GRCh38, 1-based): chr11:112,233,212, C>A. VCF-style: chr11-112233212-C-A. GRCh37 (hg19) VCF-style: chr11-112103935-C-A.
Other names: short protein forms P98Q.
Identifiers: ClinVar variation 3382444 (VCV003382444.2).
Genomic context (GRCh38, chr11:112,233,212, plus strand): 5'-TTTGTCTCTAGGAGGCGATTATGCAGCCCCTTGATCATAAGAATCTGGATATGGATGTGC[C>A]ATACTTTGCAGATGTGGTGAGGTGGGTGGCACTGTATCTTGCCTTATGTGGATTGTAAAA-3'
Protein context (NP_000308.1, residues 88-108): LDHKNLDMDV[Pro98Gln]YFADVVSTTE